The following is an entry in ClinVar:

NM_001378457.1(DMXL2):c.3488C>T (p.Pro1163Leu)

Gene: DMXL2 (Dmx like 2; minus strand). Cytogenetic location: 15q21.2.
Variant type: single nucleotide variant.
Coding change: c.3488C>T on transcript NM_001378457.1 (MANE Select); coding-DNA position 3488, C replaced by T.
Protein change: p.Pro1163Leu; replaces proline 1163 with leucine.
Molecular consequence: missense variant. On other transcripts: non-coding transcript variant (2), intron variant (2).
Genome position (GRCh38, 1-based): chr15:51,499,736, G>A on the plus strand (C>T on the coding strand, the complement: DMXL2 is on the minus strand). VCF-style: chr15-51499736-G-A. GRCh37 (hg19) VCF-style: chr15-51791933-G-A.
Other names: c.3488C>T, p.Pro1163Leu (NM_001174116.3, NM_001378458.1, NM_001378459.1 and 4 more transcripts); c.3248C>T, p.Pro1083Leu (NM_001378464.1); c.2764+7398C>T (NM_001378460.1); c.2765-4602C>T (NM_001174117.3); c.3488C>T (NM_001174116.1); short protein forms P1083L, P1163L.
Identifiers: ClinVar variation 2419881 (VCV002419881.6), dbSNP rs770147032, ClinGen allele CA7562156.

ClinVar aggregate classification (germline): Uncertain significance. Review status: criteria provided, multiple submitters, no conflicts (2 of 4 stars). 2 submissions from 2 submitters: Uncertain significance (2). Last evaluated 2025-11-03.

Allele frequency attached by ClinVar (database versions not stated): ExAC 0.00002.
gnomAD v4.1: 42 of 1,613,810 alleles (0.0026%); highest among the groups gnomAD compares: Admixed American, 0.0033%; no homozygotes.

Submissions (2):

Labcorp Genetics (formerly Invitae), Labcorp
Classification: Uncertain significance. Last evaluated: 2025-11-03. Review status: criteria provided, single submitter. Criteria: Invitae Variant Classification Sherloc (09022015). Collection method: clinical testing. Allele origin: germline.
Comment: This sequence change replaces proline, which is neutral and non-polar, with leucine, which is neutral and non-polar, at codon 1163 of the DMXL2 protein (p.Pro1163Leu). This variant is present in population databases (rs770147032, gnomAD 0.005%). This variant has not been reported in the literature in individuals affected with DMXL2-related conditions. ClinVar contains an entry for this variant (Variation ID: 2419881). An algorithm developed to predict the effect of missense changes on protein structure and function (PolyPhen-2) suggests that this variant is likely to be disruptive. In summary, the available evidence is currently insufficient to determine the role of this variant in disease. Therefore, it has been classified as a Variant of Uncertain Significance.

GeneDx
Classification: Uncertain significance. Last evaluated: 2025-05-28. Review status: criteria provided, single submitter. Criteria: GeneDx Variant Classification Process June 2021. Collection method: clinical testing. Allele origin: germline. Affected: yes.
Comment: In silico analysis supports that this missense variant has a deleterious effect on protein structure/function; Has not been previously published as pathogenic or benign to our knowledge